The following is an entry in ClinVar:

ClinVar aggregate classification (germline): Pathogenic (0 of 4 stars; one submission).

Conditions:
Steinert myotonic dystrophy syndrome (DM1). Also called: STEINERT DISEASE; Myotonic dystrophy type 1; Dystrophia myotonica type 1; Steinert myotonic dystrophy; Steinert's disease. Identifiers: Orphanet 273, MedGen C3250443, MONDO:0008056, OMIM 160900.

Submission:

Institute of Molecular, Cell and Systems Biology, University of Glasgow
Classification: Pathogenic for Steinert myotonic dystrophy syndrome. Review status: no assertion criteria provided. Criteria: research. Collection method: research. Allele origin: germline. Inheritance: Autosomal dominant inheritance. Affected: yes. Observed: 1 heterozygote.
Comment: DMPK CTG repeat expansions greater than approximately 45-50 repeats are assumed to be pathogenic

This record is based on data published in PubMed 25052313, which reports only ClinVar accessions SCV000120188 and SCV000120189. The complete data set includes SCV000207445 - SCV000207579.

Literature cited by the submitters: PubMed 1346923; PubMed 1546326; PubMed 25052313.

NM_004409.5(DMPK):c.*224CTG[455]

Genes: DM1-AS (DM1 locus antisense RNA; plus strand), DMPK (DM1 protein kinase; minus strand), LOC107075317 (origin of replication in DMPK trinucleotide repeat region; plus strand), LOC109461477 (dystrophia myotonica protein kinase repeat instability region; plus strand). Cytogenetic location: 19q13.32.
Variant type: Microsatellite.
Coding change: c.*224CTG[455] on transcript NM_004409.5 (MANE Select); 455 copies in a row of the 3-base unit CTG starting at c.*224.
Molecular consequence: 3 prime UTR variant.
Genome position: GRCh38, VCF-style position (the base before the change): chr19:45,770,204. GRCh37 (hg19), VCF-style position (the base before the change): chr19:46,273,462.
Other names: DM1 CTG repeat expansion; c.*222_*224TGC[455] (NM_001081563.3); c.*224CTG[455] (NM_001288764.2, NM_001424165.1, NM_001424169.1 and 1 more transcripts); c.*217CTG[455] (NM_001288765.2, NM_001424162.1, NM_001424163.1 and 2 more transcripts); c.*369CTG[455] (NM_001288766.2, NM_001424164.1, NM_001424168.1).
Identifiers: ClinVar variation 187986 (VCV000187986.1), ClinGen allele CA915951805.